The following is an entry in ClinVar:

ClinVar aggregate classification (germline): Uncertain significance (1 of 4 stars; one submission).

Submission:

Labcorp Genetics (formerly Invitae), Labcorp
Classification: Uncertain significance. Last evaluated: 2021-03-26. Review status: criteria provided, single submitter. Criteria: Invitae Variant Classification Sherloc (09022015). Collection method: clinical testing. Allele origin: germline.
Comment: In summary, the available evidence is currently insufficient to determine the role of this variant in disease. Therefore, it has been classified as a Variant of Uncertain Significance. Experimental studies and prediction algorithms are not available or were not evaluated, and the functional significance of this variant is currently unknown. This variant has not been reported in the literature in individuals with FLVCR1-related conditions. This variant is not present in population databases (ExAC no frequency). This variant, c.645_647dup, results in the insertion of 1 amino acid(s) to the FLVCR1 protein (p.Val215_Phe216insLeu), but otherwise preserves the integrity of the reading frame.

NM_014053.4(FLVCR1):c.645_647dup (p.Val215_Phe216insLeu)

Gene: FLVCR1 (FLVCR choline and heme transporter 1; plus strand). Cytogenetic location: 1q32.3.
Variant type: Duplication.
Coding change: c.645_647dup on transcript NM_014053.4 (MANE Select); coding-DNA positions 645 to 647, 3 bases duplicated (GTT; older notation c.645_647dupGTT).
Protein change: p.Val215_Phe216insLeu.
Molecular consequence: inframe insertion.
Genome position (GRCh38, 1-based): chr1:212,859,097-212,859,099, GTT duplicated; duplicating any 3 consecutive bases within chr1:212,859,096-212,859,099 gives the same sequence; the c. name uses the placement nearest the transcript's 3' end. VCF-style (leftmost placement, unchanged base first): chr1-212859095-G-GTGT. GRCh37 (hg19) VCF-style: chr1-213032437-G-GTGT.
Identifiers: ClinVar variation 1416924 (VCV001416924.8), dbSNP rs2102527680, ClinGen allele CA2573131507.